The following is an entry in ClinVar:

NM_000298.6(PKLR):c.925A>G (p.Lys309Glu)

Gene: PKLR (pyruvate kinase L/R; minus strand). Cytogenetic location: 1q22.
Variant type: single nucleotide variant.
Coding change: c.925A>G on transcript NM_000298.6 (MANE Select); coding-DNA position 925, A replaced by G.
Protein change: p.Lys309Glu; replaces lysine 309 with glutamic acid.
Molecular consequence: missense variant.
Genome position (GRCh38, 1-based): chr1:155,294,522, T>C on the plus strand (A>G on the coding strand, the complement: PKLR is on the minus strand). VCF-style: chr1-155294522-T-C. GRCh37 (hg19) VCF-style: chr1-155264313-T-C.
Other names: c.832A>G, p.Lys278Glu (NM_181871.4); short protein forms K309E, K278E.
Identifiers: ClinVar variation 3664097 (VCV003664097.2).
Genomic context (GRCh38, chr1:155,294,522, plus strand): 5'-GAACAGAGCCCAAGCCTCACCTCTTCACGCCTTCGTGGTTCTCAATTTTGCTGATGATCT[T>C]GATGCCGTGTCCTTCCGGACCCAGAGCAGCCCTGACGGCAGCCACGTCGCTGGCTTTCCG-3'
Protein context (NP_000289.1, residues 299-319): AALGPEGHGI[Lys309Glu]IISKIENHEG

ClinVar aggregate classification (germline): Uncertain significance (1 of 4 stars; one submission).

Submission:

Labcorp Genetics (formerly Invitae), Labcorp
Classification: Uncertain significance. Last evaluated: 2024-08-31. Review status: criteria provided, single submitter. Criteria: Invitae Variant Classification Sherloc (09022015). Collection method: clinical testing. Allele origin: germline.
Comment: This sequence change replaces lysine, which is basic and polar, with glutamic acid, which is acidic and polar, at codon 309 of the PKLR protein (p.Lys309Glu). This variant is not present in population databases (gnomAD no frequency). This variant has not been reported in the literature in individuals affected with PKLR-related conditions. Invitae Evidence Modeling of protein sequence and biophysical properties (such as structural, functional, and spatial information, amino acid conservation, physicochemical variation, residue mobility, and thermodynamic stability) indicates that this missense variant is not expected to disrupt PKLR protein function with a negative predictive value of 80%. In summary, the available evidence is currently insufficient to determine the role of this variant in disease. Therefore, it has been classified as a Variant of Uncertain Significance.